The following is an entry in ClinVar:

ClinVar aggregate classification (germline): Uncertain significance. Review status: criteria provided, multiple submitters, no conflicts (2 of 4 stars). 3 submissions from 3 submitters: Uncertain significance (3). Last evaluated 2023-05-24.

Conditions:
Retinitis pigmentosa (RP). Identifiers: Orphanet 791, MedGen C0035334, MeSH D012174, MONDO:0019200, OMIM 268000. Inheritance: Autosomal dominant, autosomal recessive and X linked inheritance.

Allele frequency attached by ClinVar (database versions not stated): TOPMed 0.00002.
gnomAD v4.1: 63 of 1,613,384 alleles (0.0039%); highest among the groups gnomAD compares: Middle Eastern, 0.016%; no homozygotes.

Submissions (3):

Ambry Genetics
Classification: Uncertain significance. Last evaluated: 2023-05-24. Review status: criteria provided, single submitter. Criteria: Ambry Variant Classification Scheme 2023. Collection method: clinical testing. Allele origin: germline.

Labcorp Genetics (formerly Invitae), Labcorp
Classification: Uncertain significance. Last evaluated: 2022-08-23. Review status: criteria provided, single submitter. Criteria: Invitae Variant Classification Sherloc (09022015). Collection method: clinical testing. Allele origin: germline.
Comment: This sequence change replaces proline, which is neutral and non-polar, with leucine, which is neutral and non-polar, at codon 5 of the PDE6G protein (p.Pro5Leu). This variant is present in population databases (rs762125725, gnomAD 0.005%). This variant has not been reported in the literature in individuals affected with PDE6G-related conditions. ClinVar contains an entry for this variant (Variation ID: 325861). Algorithms developed to predict the effect of missense changes on protein structure and function output the following: SIFT: "Deleterious"; PolyPhen-2: "Benign"; Align-GVGD: "Class C65". The leucine amino acid residue is found in multiple mammalian species, which suggests that this missense change does not adversely affect protein function. In summary, the available evidence is currently insufficient to determine the role of this variant in disease. Therefore, it has been classified as a Variant of Uncertain Significance.

Illumina Laboratory Services, Illumina
Classification: Uncertain significance for Retinitis pigmentosa. Last evaluated: 2018-01-13. Review status: criteria provided, single submitter. Criteria: ICSL Variant Classification Criteria 13 December 2019. Collection method: clinical testing. Allele origin: germline.

NM_002602.4(PDE6G):c.14C>T (p.Pro5Leu)

Gene: PDE6G (phosphodiesterase 6G; minus strand). Cytogenetic location: 17q25.3.
Variant type: single nucleotide variant.
Coding change: c.14C>T on transcript NM_002602.4 (MANE Select); coding-DNA position 14, C replaced by T.
Protein change: p.Pro5Leu; replaces proline 5 with leucine.
Molecular consequence: missense variant.
Genome position (GRCh38, 1-based): chr17:81,653,292, G>A on the plus strand (C>T on the coding strand, the complement: PDE6G is on the minus strand). VCF-style: chr17-81653292-G-A. GRCh37 (hg19) VCF-style: chr17-79620322-G-A.
Other names: c.14C>T, p.Pro5Leu (NM_001365724.1, NM_001365725.1); short protein forms P5L.
Identifiers: ClinVar variation 325861 (VCV000325861.15), dbSNP rs762125725, ClinGen allele CA8839079.
Genomic context (GRCh38, chr17:81,653,292, plus strand): 5'-TTCCTGGGGGTGACAGGTCCCCCGGCCACCCTGGTGGCTGACCGGAACTCAGCCTTGGGC[G>A]GTTCCAGGTTCATGGTGAGGCTGACGGAGACACCGCGGCAACCTTGGCTCCTGGACTCCC-3'
Protein context (NP_002593.1, residues 1-15): MNLE[Pro5Leu]PKAEFRSATR